The following is an entry in ClinVar:

NM_001013703.4(EIF2AK4):c.2380G>A (p.Ala794Thr)

Gene: EIF2AK4 (eukaryotic translation initiation factor 2 alpha kinase 4; plus strand). Cytogenetic location: 15q15.1.
Variant type: single nucleotide variant.
Coding change: c.2380G>A on transcript NM_001013703.4 (MANE Select); coding-DNA position 2380, G replaced by A.
Protein change: p.Ala794Thr; replaces alanine 794 with threonine.
Molecular consequence: missense variant.
Genome position (GRCh38, 1-based): chr15:39,985,865, G>A. VCF-style: chr15-39985865-G-A. GRCh37 (hg19) VCF-style: chr15-40278066-G-A.
Other names: short protein forms A794T.
Identifiers: ClinVar variation 1944490 (VCV001944490.5), dbSNP rs1366932633, ClinGen allele CA391687965.

ClinVar aggregate classification (germline): Uncertain significance (1 of 4 stars; one submission).

Allele frequency attached by ClinVar (database versions not stated): gnomAD exomes below 0.00001; TOPMed below 0.00001; gnomAD 0.00001.
gnomAD v4.1: 6 of 1,613,994 alleles (0.00037%); highest among the groups gnomAD compares: Non-Finnish European, 0.00042%; no homozygotes.

Submission:

Labcorp Genetics (formerly Invitae), Labcorp
Classification: Uncertain significance. Last evaluated: 2022-08-06. Review status: criteria provided, single submitter. Criteria: Invitae Variant Classification Sherloc (09022015). Collection method: clinical testing. Allele origin: germline.
Comment: Advanced modeling of protein sequence and biophysical properties (such as structural, functional, and spatial information, amino acid conservation, physicochemical variation, residue mobility, and thermodynamic stability) performed at Invitae indicates that this missense variant is not expected to disrupt EIF2AK4 protein function. In summary, the available evidence is currently insufficient to determine the role of this variant in disease. Therefore, it has been classified as a Variant of Uncertain Significance. This variant has not been reported in the literature in individuals affected with EIF2AK4-related conditions. This variant is present in population databases (no rsID available, gnomAD 0.004%). This sequence change replaces alanine, which is neutral and non-polar, with threonine, which is neutral and polar, at codon 794 of the EIF2AK4 protein (p.Ala794Thr).